The following is an entry in ClinVar:

NM_020738.4(KIDINS220):c.2126G>A (p.Arg709His)

Gene: KIDINS220 (kinase D interacting substrate 220; minus strand). Cytogenetic location: 2p25.1.
Variant type: single nucleotide variant.
Coding change: c.2126G>A on transcript NM_020738.4 (MANE Select); coding-DNA position 2126, G replaced by A.
Protein change: p.Arg709His; replaces arginine 709 with histidine.
Molecular consequence: missense variant. On other transcripts: non-coding transcript variant (2).
Genome position (GRCh38, 1-based): chr2:8,785,844, C>T on the plus strand (G>A on the coding strand, the complement: KIDINS220 is on the minus strand). VCF-style: chr2-8785844-C-T. GRCh37 (hg19) VCF-style: chr2-8925974-C-T.
Other names: c.2126G>A, p.Arg709His (NM_001348742.2, NM_001348743.2, NM_001348741.2 and 3 more transcripts); c.2129G>A, p.Arg710His (NM_001348745.2, NM_001348729.2, NM_001348731.2 and 3 more transcripts); c.2000G>A, p.Arg667His (NM_001348736.2); c.2126G>A (NM_020738.2); short protein forms R667H, R709H, R710H.
Identifiers: ClinVar variation 1675765 (VCV001675765.35), dbSNP rs562912294, ClinGen allele CA1520042.

ClinVar aggregate classification (germline): Likely benign. Review status: criteria provided, multiple submitters, no conflicts (2 of 4 stars). 4 submissions from 4 submitters: Likely benign (3). 1 of the submissions does not count toward it. Last evaluated 2024-07-02.

Conditions:
Inborn genetic diseases. Identifiers: MedGen C0950123, MeSH D030342.
KIDINS220-related disorder. Also called: KIDINS220-related condition.

Allele frequency attached by ClinVar (database versions not stated): ExAC 0.00002; gnomAD 0.00003 and 0.00001; gnomAD exomes 0.00003 and 0.00001; 1000 Genomes Project 30x 0.00016; 1000 Genomes Project 0.00020; TOPMed 0.00001.
gnomAD v4.1: 28 of 1,614,016 alleles (0.0017%); highest among the groups gnomAD compares: South Asian, 0.018%; no homozygotes.

Submissions (4):

Ambry Genetics
Classification: Likely benign for Inborn genetic diseases. Last evaluated: 2024-07-02. Review status: criteria provided, single submitter. Criteria: Ambry Variant Classification Scheme 2023. Collection method: clinical testing. Allele origin: germline.

CeGaT Center for Human Genetics Tuebingen
Classification: Likely benign. Last evaluated: 2022-03-01. Review status: criteria provided, single submitter. Criteria: CeGaT Center For Human Genetics Tuebingen Variant Classification Criteria Version 2. Collection method: clinical testing. Allele origin: germline. Affected: yes. Observed: 1 variant allele.
Comment: KIDINS220: BS2

Breakthrough Genomics
Classification: Likely benign. Review status: criteria provided, single submitter. Criteria: ACMG Guidelines, 2015. Collection method: not provided. Allele origin: germline. Inheritance: Autosomal recessive inheritance. Affected: yes.

PreventionGenetics, part of Exact Sciences
Classification: Uncertain significance for KIDINS220-related condition. Last evaluated: 2023-12-18. Review status: no assertion criteria provided. Collection method: clinical testing. Allele origin: germline. Not counted in ClinVar's aggregate classification.
Comment: The KIDINS220 c.2126G>A variant is predicted to result in the amino acid substitution p.Arg709His. To our knowledge, this variant has not been reported in the literature. This variant is reported in 0.023% of alleles in individuals of South Asian descent in gnomAD. At this time, the clinical significance of this variant is uncertain due to the absence of conclusive functional and genetic evidence.